The following is an entry in ClinVar:

NM_001277115.2(DNAH11):c.6339T>A (p.Phe2113Leu)

Gene: DNAH11 (dynein axonemal heavy chain 11; plus strand). Cytogenetic location: 7p15.3.
Variant type: single nucleotide variant.
Coding change: c.6339T>A on transcript NM_001277115.2 (MANE Select); coding-DNA position 6339, T replaced by A.
Protein change: p.Phe2113Leu; replaces phenylalanine 2113 with leucine.
Molecular consequence: missense variant.
Genome position (GRCh38, 1-based): chr7:21,704,499, T>A. VCF-style: chr7-21704499-T-A. GRCh37 (hg19) VCF-style: chr7-21744117-T-A.
Other names: c.6360T>A, p.Phe2120Leu (NM_003777.3); short protein forms F2113L, F2120L.
Identifiers: ClinVar variation 1752929 (VCV001752929.2), dbSNP rs1583610498, ClinGen allele CA366937002.
Genomic context (GRCh38, chr7:21,704,499, plus strand): 5'-CATGAGAGCATTAAGGGATTTCAATATGCCCAAAATAGTGACTGACGACATCCCAGTGTT[T>A]CTGGGCCTGGTCGGTGACCTGTTTCCAGCCCTGGATGTGCCCCGGAGGAGGAAGCTGCAC-3'
Protein context (NP_001264044.1, residues 2103-2123): PKIVTDDIPV[Phe2113Leu]LGLVGDLFPA

ClinVar aggregate classification (germline): Uncertain significance (1 of 4 stars; one submission).

Conditions:
Primary ciliary dyskinesia. Also called: Ciliary dyskinesia. Identifiers: Orphanet 244, MedGen C0008780, MONDO:0016575, HP:0012265.

gnomAD v4.1: 4 of 1,613,894 alleles (0.00025%); highest among the groups gnomAD compares: Non-Finnish European, 0.00034%; no homozygotes.

Submission:

Ambry Genetics
Classification: Uncertain significance for Primary ciliary dyskinesia. Last evaluated: 2022-09-24. Review status: criteria provided, single submitter. Criteria: Ambry Variant Classification Scheme 2023. Collection method: clinical testing. Allele origin: germline.
Comment: The p.F2113L variant (also known as c.6339T>A), located in coding exon 38 of the DNAH11 gene, results from a T to A substitution at nucleotide position 6339. The phenylalanine at codon 2113 is replaced by leucine, an amino acid with highly similar properties. This amino acid position is conserved. In addition, the in silico prediction for this alteration is inconclusive. Since supporting evidence is limited at this time, the clinical significance of this alteration remains unclear.